The following is an entry in ClinVar:

ClinVar aggregate classification (germline): Uncertain significance (1 of 4 stars; one submission).

Conditions:
Short-rib thoracic dysplasia 7 with or without polydactyly (SRTD7). Also called: Short rib polydactyly syndrome 5; SHORT-RIB THORACIC DYSPLASIA 7 WITH POLYDACTYLY. Identifiers: Orphanet 498497, Orphanet 93271, MedGen C3279792, MONDO:0013569, OMIM 614091.
Cranioectodermal dysplasia 2 (CED2). Identifiers: Orphanet 1515, MedGen C3150874, MONDO:0013323, OMIM 613610.

gnomAD v4.1: 17 of 1,602,454 alleles (0.0011%); highest among the groups gnomAD compares: Non-Finnish European, 0.0014%; no homozygotes.

Submission:

Labcorp Genetics (formerly Invitae), Labcorp
Classification: Uncertain significance for Cranioectodermal dysplasia 2; Short-rib thoracic dysplasia 7 with or without polydactyly. Last evaluated: 2025-08-18. Review status: criteria provided, single submitter. Criteria: Invitae Variant Classification Sherloc (09022015). Collection method: clinical testing. Allele origin: germline.
Comment: This sequence change replaces aspartic acid, which is acidic and polar, with glycine, which is neutral and non-polar, at codon 244 of the WDR35 protein (p.Asp244Gly). This variant is not present in population databases (gnomAD no frequency). This variant has not been reported in the literature in individuals affected with WDR35-related conditions. ClinVar contains an entry for this variant (Variation ID: 3749137). Invitae Evidence Modeling of protein sequence and biophysical properties (such as structural, functional, and spatial information, amino acid conservation, physicochemical variation, residue mobility, and thermodynamic stability) has been performed for this missense variant. However, the output from this modeling did not meet the statistical confidence thresholds required to predict the impact of this variant on WDR35 protein function. In summary, the available evidence is currently insufficient to determine the role of this variant in disease. Therefore, it has been classified as a Variant of Uncertain Significance.

NM_020779.4(WDR35):c.731A>G (p.Asp244Gly)

Gene: WDR35 (WD repeat domain 35; minus strand). Cytogenetic location: 2p24.1.
Variant type: single nucleotide variant.
Coding change: c.731A>G on transcript NM_020779.4 (MANE Select); coding-DNA position 731, A replaced by G.
Protein change: p.Asp244Gly; replaces aspartic acid 244 with glycine.
Molecular consequence: missense variant.
Genome position (GRCh38, 1-based): chr2:19,974,473, T>C on the plus strand (A>G on the coding strand, the complement: WDR35 is on the minus strand). VCF-style: chr2-19974473-T-C. GRCh37 (hg19) VCF-style: chr2-20174234-T-C.
Other names: c.731A>G, p.Asp244Gly (NM_001006657.2); short protein forms D244G.
Identifiers: ClinVar variation 3749137 (VCV003749137.2).